The following is an entry in ClinVar:

NM_001348768.2(HECW2):c.3941T>A (p.Leu1314His)

Gene: HECW2 (HECT, C2 and WW domain containing E3 ubiquitin protein ligase 2; minus strand). Cytogenetic location: 2q32.3.
Variant type: single nucleotide variant.
Coding change: c.3941T>A on transcript NM_001348768.2 (MANE Select); coding-DNA position 3941, T replaced by A.
Protein change: p.Leu1314His; replaces leucine 1314 with histidine.
Molecular consequence: missense variant.
Genome position (GRCh38, 1-based): chr2:196,225,847, A>T on the plus strand (T>A on the coding strand, the complement: HECW2 is on the minus strand). VCF-style: chr2-196225847-A-T. GRCh37 (hg19) VCF-style: chr2-197090571-A-T.
Other names: c.3941T>A, p.Leu1314His (NM_020760.4); c.2873T>A, p.Leu958His (NM_001304840.3); short protein forms L1314H, L958H.
Identifiers: ClinVar variation 3572717 (VCV003572717.2).

ClinVar aggregate classification (germline): Likely pathogenic (1 of 4 stars; one submission).

Submission:

GeneDx
Classification: Likely pathogenic. Last evaluated: 2025-11-25. Review status: criteria provided, single submitter. Criteria: GeneDx Variant Classification Process June 2021. Collection method: clinical testing. Allele origin: germline.
Comment: In silico analysis supports that this missense variant has a deleterious effect on protein structure/function; Not observed at significant frequency in large population cohorts (gnomAD); Has not been previously published as pathogenic or benign to our knowledge